The following is an entry in ClinVar:

ClinVar aggregate classification (germline): Likely benign (0 of 4 stars; one submission).

Conditions:
PLXNA3-related disorder. Also called: PLXNA3-related condition.

Submission:

PreventionGenetics, part of Exact Sciences
Classification: Likely benign for PLXNA3-related condition. Last evaluated: 2021-05-19. Review status: no assertion criteria provided. Collection method: clinical testing. Allele origin: germline.
Comment: This variant is classified as likely benign based on ACMG/AMP sequence variant interpretation guidelines (Richards et al. 2015 PMID: 25741868, with internal and published modifications).

NM_017514.5(PLXNA3):c.1215C>G (p.Pro405=)

Gene: PLXNA3 (plexin A3; plus strand). Cytogenetic location: Xq28.
Variant type: single nucleotide variant.
Coding change: c.1215C>G on transcript NM_017514.5 (MANE Select); coding-DNA position 1215, C replaced by G.
Protein change: p.Pro405=; no amino-acid change (proline 405 retained).
Molecular consequence: synonymous variant.
Genome position (GRCh38, 1-based): chrX:154,462,208, C>G. VCF-style: chrX-154462208-C-G. GRCh37 (hg19) VCF-style: chrX-153690548-C-G.
Identifiers: ClinVar variation 3357029 (VCV003357029.1).
Genomic context (GRCh38, chrX:154,462,208, plus strand): 5'-CTTCTGTGGGCTGGTGTTGAACCAGCCTCTGGGAGGCCTGCATGTGATCGAGGGGCTGCC[C>G]CTGCTGGCCGACAGCACCGACGGCATGGCCAGCGTGGCCGCCTACACCTACCGCCAGCAC-3'
Protein context (NP_059984.3, residues 395-415): LGGLHVIEGL[Pro405=]LLADSTDGMA